The following is an entry in ClinVar:

NM_014704.4(CEP104):c.664C>T (p.Arg222Trp)

Gene: CEP104 (centrosomal protein 104; minus strand). Cytogenetic location: 1p36.32.
Variant type: single nucleotide variant.
Coding change: c.664C>T on transcript NM_014704.4 (MANE Select); coding-DNA position 664, C replaced by T.
Protein change: p.Arg222Trp; replaces arginine 222 with tryptophan.
Molecular consequence: missense variant.
Genome position (GRCh38, 1-based): chr1:3,839,679, G>A on the plus strand (C>T on the coding strand, the complement: CEP104 is on the minus strand). VCF-style: chr1-3839679-G-A. GRCh37 (hg19) VCF-style: chr1-3756243-G-A.
Other names: short protein forms R222W.
Identifiers: ClinVar variation 542195 (VCV000542195.9), dbSNP rs142899837, ClinGen allele CA551856.

ClinVar aggregate classification (germline): Conflicting classifications of pathogenicity. Review status: criteria provided, conflicting classifications (1 of 4 stars). 3 submissions from 3 submitters: Uncertain significance (2); Likely benign (1). Last evaluated 2024-06-13.

Conditions:
Joubert syndrome 25 (JBTS25). Identifiers: Orphanet 475, MedGen C4084842, MONDO:0014770, OMIM 616781.

Allele frequency attached by ClinVar (database versions not stated): gnomAD exomes 0.00007 and 0.00018; ExAC 0.00021; gnomAD 0.00047 and 0.00050; 1000 Genomes Project 0.00060; TOPMed 0.00061; 1000 Genomes Project 30x 0.00062; ESP Exome Variant Server 0.00062.

Submissions (3):

Blueprint Genetics
Classification: Likely benign. Last evaluated: 2024-06-13. Review status: criteria provided, single submitter. Criteria: ACMG Guidelines, 2015. Collection method: clinical testing. Allele origin: germline.

Labcorp Genetics (formerly Invitae), Labcorp
Classification: Uncertain significance for Joubert syndrome 25. Last evaluated: 2022-06-28. Review status: criteria provided, single submitter. Criteria: Invitae Variant Classification Sherloc (09022015). Collection method: clinical testing. Allele origin: germline.
Comment: This sequence change replaces arginine, which is basic and polar, with tryptophan, which is neutral and slightly polar, at codon 222 of the CEP104 protein (p.Arg222Trp). This variant is present in population databases (rs142899837, gnomAD 0.2%). This variant has not been reported in the literature in individuals affected with CEP104-related conditions. ClinVar contains an entry for this variant (Variation ID: 542195). Algorithms developed to predict the effect of missense changes on protein structure and function are either unavailable or do not agree on the potential impact of this missense change (SIFT: "Deleterious"; PolyPhen-2: "Possibly Damaging"; Align-GVGD: "Class C0"). In summary, the available evidence is currently insufficient to determine the role of this variant in disease. Therefore, it has been classified as a Variant of Uncertain Significance.

GeneDx
Classification: Uncertain significance. Last evaluated: 2022-05-20. Review status: criteria provided, single submitter. Criteria: GeneDx Variant Classification Process June 2021. Collection method: clinical testing. Allele origin: germline. Affected: yes.
Comment: In silico analysis supports that this missense variant has a deleterious effect on protein structure/function; Has not been previously published as pathogenic or benign to our knowledge